The following is an entry in ClinVar:

NM_001845.6(COL4A1):c.4444G>T (p.Ala1482Ser)

Gene: COL4A1 (collagen type IV alpha 1 chain; minus strand). Cytogenetic location: 13q34.
Variant type: single nucleotide variant.
Coding change: c.4444G>T on transcript NM_001845.6 (MANE Select); coding-DNA position 4444, G replaced by T.
Protein change: p.Ala1482Ser; replaces alanine 1482 with serine.
Molecular consequence: missense variant.
Genome position (GRCh38, 1-based): chr13:110,162,248, C>A on the plus strand (G>T on the coding strand, the complement: COL4A1 is on the minus strand). VCF-style: chr13-110162248-C-A. GRCh37 (hg19) VCF-style: chr13-110814595-C-A.
Other names: short protein forms A1482S.
Identifiers: ClinVar variation 3693081 (VCV003693081.2).

ClinVar aggregate classification (germline): Uncertain significance (1 of 4 stars; one submission).

Submission:

Labcorp Genetics (formerly Invitae), Labcorp
Classification: Uncertain significance. Last evaluated: 2024-02-07. Review status: criteria provided, single submitter. Criteria: Invitae Variant Classification Sherloc (09022015). Collection method: clinical testing. Allele origin: germline.
Comment: This sequence change replaces alanine, which is neutral and non-polar, with serine, which is neutral and polar, at codon 1482 of the COL4A1 protein (p.Ala1482Ser). This variant is not present in population databases (gnomAD no frequency). This variant has not been reported in the literature in individuals affected with COL4A1-related conditions. Experimental studies and prediction algorithms are not available or were not evaluated, and the functional significance of this variant is currently unknown. In summary, the available evidence is currently insufficient to determine the role of this variant in disease. Therefore, it has been classified as a Variant of Uncertain Significance.